The following is an entry in ClinVar:

ClinVar aggregate classification (germline): Uncertain significance. Review status: criteria provided, multiple submitters, no conflicts (2 of 4 stars). 3 submissions from 3 submitters: Uncertain significance (3). Last evaluated 2025-07-27.

Conditions:
Inborn genetic diseases. Identifiers: MedGen C0950123, MeSH D030342.

Allele frequency attached by ClinVar (database versions not stated): ExAC 0.00002; gnomAD 0.00004; TOPMed 0.00003; gnomAD exomes 0.00003.
gnomAD v4.1: 30 of 1,613,662 alleles (0.0019%); highest among the groups gnomAD compares: Non-Finnish European, 0.0023%; no homozygotes.

Submissions (3):

Labcorp Genetics (formerly Invitae), Labcorp
Classification: Uncertain significance. Last evaluated: 2025-07-27. Review status: criteria provided, single submitter. Criteria: Invitae Variant Classification Sherloc (09022015). Collection method: clinical testing. Allele origin: germline.
Comment: This sequence change replaces serine, which is neutral and polar, with isoleucine, which is neutral and non-polar, at codon 1129 of the SAMD9L protein (p.Ser1129Ile). This variant is present in population databases (rs747181782, gnomAD 0.006%). This variant has not been reported in the literature in individuals affected with SAMD9L-related conditions. ClinVar contains an entry for this variant (Variation ID: 1321136). Invitae Evidence Modeling of protein sequence and biophysical properties (such as structural, functional, and spatial information, amino acid conservation, physicochemical variation, residue mobility, and thermodynamic stability) indicates that this missense variant is expected to disrupt SAMD9L protein function with a positive predictive value of 80%. In summary, the available evidence is currently insufficient to determine the role of this variant in disease. Therefore, it has been classified as a Variant of Uncertain Significance.

Ambry Genetics
Classification: Uncertain significance for Inborn genetic diseases. Last evaluated: 2024-10-02. Review status: criteria provided, single submitter. Criteria: Ambry Variant Classification Scheme 2023. Collection method: clinical testing. Allele origin: germline.
Comment: The p.S1129I variant (also known as c.3386G>T), located in coding exon 1 of the SAMD9L gene, results from a G to T substitution at nucleotide position 3386. The serine at codon 1129 is replaced by isoleucine, an amino acid with dissimilar properties. This amino acid position is conserved. In addition, this alteration is predicted to be tolerated by in silico analysis. Based on the available evidence, the clinical significance of this variant remains unclear.

GeneDx
Classification: Uncertain significance. Last evaluated: 2024-06-11. Review status: criteria provided, single submitter. Criteria: GeneDx Variant Classification Process June 2021. Collection method: clinical testing. Allele origin: germline. Affected: yes.
Comment: Has not been previously published as pathogenic or benign to our knowledge; In silico analysis supports that this missense variant has a deleterious effect on protein structure/function; This variant is associated with the following publications: (PMID: 28545555)

NM_152703.5(SAMD9L):c.3386G>T (p.Ser1129Ile)

Gene: SAMD9L (sterile alpha motif domain containing 9 like; minus strand). Cytogenetic location: 7q21.2.
Variant type: single nucleotide variant.
Coding change: c.3386G>T on transcript NM_152703.5 (MANE Select); coding-DNA position 3386, G replaced by T.
Protein change: p.Ser1129Ile; replaces serine 1129 with isoleucine.
Molecular consequence: missense variant.
Genome position (GRCh38, 1-based): chr7:93,132,586, C>A on the plus strand (G>T on the coding strand, the complement: SAMD9L is on the minus strand). VCF-style: chr7-93132586-C-A. GRCh37 (hg19) VCF-style: chr7-92761899-C-A.
Other names: c.3386G>T, p.Ser1129Ile (NM_001350084.2, NM_001350085.2, NM_001303496.3 and 5 more transcripts); c.3386G>T (NM_152703.2); short protein forms S1129I.
Identifiers: ClinVar variation 1321136 (VCV001321136.10), dbSNP rs747181782, ClinGen allele CA4343459.